The following is an entry in ClinVar:

NM_015164.4(PLEKHM2):c.1262T>C (p.Leu421Pro)

Gene: PLEKHM2 (pleckstrin homology and RUN domain containing M2; plus strand). Cytogenetic location: 1p36.21.
Variant type: single nucleotide variant.
Coding change: c.1262T>C on transcript NM_015164.4 (MANE Select); coding-DNA position 1262, T replaced by C.
Protein change: p.Leu421Pro; replaces leucine 421 with proline.
Molecular consequence: missense variant.
Genome position (GRCh38, 1-based): chr1:15,727,334, T>C. VCF-style: chr1-15727334-T-C. GRCh37 (hg19) VCF-style: chr1-16053829-T-C.
Other names: c.1202T>C, p.Leu401Pro (NM_001410755.1); short protein forms L421P, L401P.
Identifiers: ClinVar variation 2909360 (VCV002909360.3), dbSNP rs2068077780, ClinGen allele CA338586353.
Genomic context (GRCh38, chr1:15,727,334, plus strand): 5'-CCTCCATGGAGCGCTTGGGGCAGCCCCTGAGCAAGGTTATCGACCAGCTCAACGGGCAGC[T>C]GGACCCCAGCACCTGGTGCTCCCGTGCTGAGCCCCCAGACCAGTCCTTTCGGACCGGCTC-3'
Protein context (NP_055979.2, residues 411-431): SKVIDQLNGQ[Leu421Pro]DPSTWCSRAE

ClinVar aggregate classification (germline): Uncertain significance (1 of 4 stars; one submission).

Allele frequency attached by ClinVar (database versions not stated): TOPMed below 0.00001; gnomAD 0.00001.
gnomAD v4.1: 2 of 1,597,274 alleles (0.00013%); highest among the groups gnomAD compares: Non-Finnish European, 0.000085%; no homozygotes.

Submission:

Labcorp Genetics (formerly Invitae), Labcorp
Classification: Uncertain significance. Last evaluated: 2023-10-23. Review status: criteria provided, single submitter. Criteria: Invitae Variant Classification Sherloc (09022015). Collection method: clinical testing. Allele origin: germline.
Comment: This sequence change replaces leucine, which is neutral and non-polar, with proline, which is neutral and non-polar, at codon 421 of the PLEKHM2 protein (p.Leu421Pro). This variant is not present in population databases (gnomAD no frequency). This variant has not been reported in the literature in individuals affected with PLEKHM2-related conditions. An algorithm developed to predict the effect of missense changes on protein structure and function (PolyPhen-2) suggests that this variant is likely to be disruptive. In summary, the available evidence is currently insufficient to determine the role of this variant in disease. Therefore, it has been classified as a Variant of Uncertain Significance.